The following is an entry in ClinVar:

NR_003051.4(RMRP):n.217G>A

Gene: RMRP (RNA component of mitochondrial RNA processing endoribonuclease; minus strand). Cytogenetic location: 9p13.3.
Variant type: single nucleotide variant.
Genome position: GRCh38 VCF-style: chr9-35657803-C-T. GRCh37 (hg19) VCF-style: chr9-35657800-C-T.
Identifiers: ClinVar variation 2445902 (VCV002445902.1), dbSNP rs1823603798, ClinGen allele CA464450493.
Genomic context (GRCh38, chr9:35,657,803, plus strand): 5'-AACAAAAAACAGCCGCGCTGAGAATGAGCCCCGTGTGGTTGGTGCGCGGACACGCACTGC[C>T]TGCGTAACTAGAGGGAGCTGACGGATGACGCCCCCGCGCCACGCCGCTCAGCGGGATACG-3'

ClinVar aggregate classification (germline): Uncertain significance (1 of 4 stars; one submission).

Allele frequency attached by ClinVar (database versions not stated): gnomAD exomes below 0.00001; TOPMed below 0.00001; gnomAD 0.00001.
gnomAD v4.1: 3 of 692,076 alleles (0.00043%); highest among the groups gnomAD compares: South Asian, 0.003%; no homozygotes.

Submission:

Women's Health and Genetics/Laboratory Corporation of America, LabCorp
Classification: Uncertain significance. Last evaluated: 2023-02-17. Review status: criteria provided, single submitter. Criteria: LabCorp Variant Classification Summary - May 2015. Collection method: clinical testing. Allele origin: germline.
Comment: Variant summary: RMRP n.216G>A alters a nucleotide in the non-coding RNA. The variant was absent in 128778 control chromosomes. The available data on variant occurrences in the general population are insufficient to allow any conclusion about variant significance. To our knowledge, no occurrence of n.216G>A in individuals affected with Cartilage-Hair Hypoplasia and no experimental evidence demonstrating its impact on protein function have been reported. No clinical diagnostic laboratories have submitted clinical-significance assessments for this variant to ClinVar after 2014. Based on the evidence outlined above, the variant was classified as uncertain significance.